The following is an entry in ClinVar:

NM_173648.4(CCDC141):c.4036C>T (p.Arg1346Trp)

Gene: CCDC141 (coiled-coil domain containing 141; minus strand). Cytogenetic location: 2q31.2.
Variant type: single nucleotide variant.
Coding change: c.4036C>T on transcript NM_173648.4 (MANE Select); coding-DNA position 4036, C replaced by T.
Protein change: p.Arg1346Trp; replaces arginine 1346 with tryptophan.
Molecular consequence: missense variant.
Genome position (GRCh38, 1-based): chr2:178,837,183, G>A on the plus strand (C>T on the coding strand, the complement: CCDC141 is on the minus strand). VCF-style: chr2-178837183-G-A. GRCh37 (hg19) VCF-style: chr2-179701910-G-A.
Other names: c.4036C>T (NM_173648.3); short protein forms R1346W.
Identifiers: ClinVar variation 3633025 (VCV003633025.3).

ClinVar aggregate classification (germline): Uncertain significance. Review status: criteria provided, multiple submitters, no conflicts (2 of 4 stars). 2 submissions from 2 submitters: Uncertain significance (2). Last evaluated 2025-06-23.

gnomAD v4.1: 15 of 1,613,810 alleles (0.00093%); highest among the groups gnomAD compares: African/African-American, 0.008%; no homozygotes.

Submissions (2):

Ambry Genetics
Classification: Uncertain significance. Last evaluated: 2025-06-23. Review status: criteria provided, single submitter. Criteria: Ambry Variant Classification Scheme 2023. Collection method: clinical testing. Allele origin: germline.

Labcorp Genetics (formerly Invitae), Labcorp
Classification: Uncertain significance. Last evaluated: 2024-11-04. Review status: criteria provided, single submitter. Criteria: Invitae Variant Classification Sherloc (09022015). Collection method: clinical testing. Allele origin: germline.
Comment: This sequence change replaces arginine, which is basic and polar, with tryptophan, which is neutral and slightly polar, at codon 1346 of the CCDC141 protein (p.Arg1346Trp). This variant is present in population databases (rs760703274, gnomAD 0.008%). This variant has not been reported in the literature in individuals affected with CCDC141-related conditions. An algorithm developed to predict the effect of missense changes on protein structure and function outputs the following: PolyPhen-2: "Benign". The tryptophan amino acid residue is found in multiple mammalian species, which suggests that this missense change does not adversely affect protein function. In summary, the available evidence is currently insufficient to determine the role of this variant in disease. Therefore, it has been classified as a Variant of Uncertain Significance.